The following is an entry in ClinVar:

NM_003924.4(PHOX2B):c.862G>C (p.Gly288Arg)

Gene: PHOX2B (paired like homeobox 2B; minus strand). Cytogenetic location: 4p13.
Variant type: single nucleotide variant.
Coding change: c.862G>C on transcript NM_003924.4 (MANE Select); coding-DNA position 862, G replaced by C.
Protein change: p.Gly288Arg; replaces glycine 288 with arginine.
Molecular consequence: missense variant.
Genome position (GRCh38, 1-based): chr4:41,745,890, C>G on the plus strand (G>C on the coding strand, the complement: PHOX2B is on the minus strand). VCF-style: chr4-41745890-C-G. GRCh37 (hg19) VCF-style: chr4-41747907-C-G.
Other names: short protein forms G288R.
Identifiers: ClinVar variation 5026572 (VCV005026572.1).

ClinVar aggregate classification (germline): Uncertain significance (1 of 4 stars; one submission).

Conditions:
Hereditary cancer-predisposing syndrome. Also called: Neoplastic Syndromes, Hereditary; Tumor predisposition; Hereditary neoplastic syndrome; Hereditary Cancer Syndrome. Identifiers: Orphanet 140162, MedGen C0027672, MeSH D009386, MONDO:0015356.

Submission:

Ambry Genetics
Classification: Uncertain significance for Hereditary cancer-predisposing syndrome. Last evaluated: 2026-07-06. Review status: criteria provided, single submitter. Criteria: Ambry Variant Classification Scheme 2023. Collection method: clinical testing. Allele origin: germline.
Comment: The p.G288R variant (also known as c.862G>C), located in coding exon 3 of the PHOX2B gene, results from a G to C substitution at nucleotide position 862. The glycine at codon 288 is replaced by arginine, an amino acid with dissimilar properties. This amino acid position is conserved. In addition, the in silico prediction for this alteration is inconclusive. Based on the available evidence, the clinical significance of this variant remains unclear.